The following is an entry in ClinVar:

ClinVar aggregate classification (germline): Uncertain significance (1 of 4 stars; one submission).

Conditions:
Congenital heart defects, multiple types, 7. Identifiers: MedGen C5394062, MONDO:0032913, OMIM 618780.

Allele frequency attached by ClinVar (database versions not stated): gnomAD 0.00001.
gnomAD v4.1: 1 of 152,174 alleles (0.00066%); highest among the groups gnomAD compares: South Asian, 0.021%; no homozygotes.

Submission:

New York Genome Center
Classification: Uncertain significance for Congenital heart defects, multiple types, 7. Last evaluated: 2023-03-31. Review status: criteria provided, single submitter. Criteria: NYGC Assertion Criteria 2020. Collection method: clinical testing. Allele origin: inherited. Observed: 1 heterozygote. Study: PrenatalSEQ.
Comment: The c.1104-255C>T variant in FLT4 has not previously been reported in the literature or public variant repositories (ClinVar and LOVD). The c.1104-255C>T variant is observed in 1 allele in population databases (gnomAD v2.1.1 and v3.1.2, TOPMed Freeze 8), suggesting it is not a common benign variant in the populations represented in those databases. The c.1104-255C>T variant is located in intron 8 of this 30-exon gene and in silico algorithms predict a cryptic splice site (spliceAI donor gain: 0.39, varSEAK: Class 4); however, there are no functional studies to support or refute these predictions. Based on available evidence this inherited c.1104-255C>T variant identified in FLT4 is classified as Variant of Uncertain Significance.

NM_182925.5(FLT4):c.1104-255C>T

Gene: FLT4 (fms related receptor tyrosine kinase 4; minus strand). Cytogenetic location: 5q35.3.
Variant type: single nucleotide variant.
Coding change: c.1104-255C>T on transcript NM_182925.5 (MANE Select); 255 bases into the intron before coding-DNA position 1104, C replaced by T.
Molecular consequence: intron variant.
Genome position (GRCh38, 1-based): chr5:180,626,520, G>A on the plus strand (C>T on the coding strand, the complement: FLT4 is on the minus strand). VCF-style: chr5-180626520-G-A. GRCh37 (hg19) VCF-style: chr5-180053520-G-A.
Other names: c.1104-255C>T (NM_001354989.2, NM_002020.5).
Identifiers: ClinVar variation 3235939 (VCV003235939.1), dbSNP rs1763630189, ClinGen allele CA1085099517.